The following is an entry in ClinVar:

NM_005090.4(JMJD7-PLA2G4B):c.1573-4C>G

Genes: JMJD7-PLA2G4B (JMJD7-PLA2G4B readthrough; plus strand), PLA2G4B (phospholipase A2 group IVB; plus strand). Cytogenetic location: 15q15.1.
Variant type: single nucleotide variant.
Coding change: c.1573-4C>G on transcript NM_005090.4; 4 bases into the intron before coding-DNA position 1573, C replaced by G.
Molecular consequence: intron variant.
Genome position (GRCh38, 1-based): chr15:41,844,467, C>G. VCF-style: chr15-41844467-C-G. GRCh37 (hg19) VCF-style: chr15-42136665-C-G.
Other names: c.1573-4C>G (NM_001198588.2); c.880-4C>G (NM_001114633.2).
Identifiers: ClinVar variation 3053374 (VCV003053374.2), dbSNP rs186665760, ClinGen allele CA7499860.
Genomic context (GRCh38, chr15:41,844,467, plus strand): 5'-CTTCCTGTGACTTGGCCTTCCCCATCCCTAGGGCCTCTACAGGCCTGGCTCTCTTCTTTT[C>G]CAGATCCCAGTGGTAGCTATTATGGCCACTGGTGGTGGGATCCGGGCAATGACTTCCCTG-3'

ClinVar aggregate classification (germline): Likely benign (0 of 4 stars; one submission).

Conditions:
JMJD7-PLA2G4B-related disorder. Also called: JMJD7-PLA2G4B-related condition.

Allele frequency attached by ClinVar (database versions not stated): ExAC 0.00066; 1000 Genomes Project 30x 0.00156; 1000 Genomes Project 0.00180; TOPMed 0.00194; gnomAD 0.00202; ESP Exome Variant Server 0.00223.
gnomAD v4.1: 532 of 1,614,146 alleles (0.033%); highest among the groups gnomAD compares: African/African-American, 0.63%; 2 homozygotes.

Submission:

PreventionGenetics, part of Exact Sciences
Classification: Likely benign for JMJD7-PLA2G4B-related condition. Last evaluated: 2019-04-10. Review status: no assertion criteria provided. Collection method: clinical testing. Allele origin: germline.
Comment: This variant is classified as likely benign based on ACMG/AMP sequence variant interpretation guidelines (Richards et al. 2015 PMID: 25741868, with internal and published modifications).